The following is an entry in ClinVar:

NM_006767.4(LZTR1):c.2133G>T (p.Gly711=)

Gene: LZTR1 (leucine zipper like post translational regulator 1; plus strand). Cytogenetic location: 22q11.21.
Variant type: single nucleotide variant.
Coding change: c.2133G>T on transcript NM_006767.4 (MANE Select); coding-DNA position 2133, G replaced by T.
Protein change: p.Gly711=; no amino-acid change (glycine 711 retained).
Molecular consequence: synonymous variant.
Genome position (GRCh38, 1-based): chr22:20,996,026, G>T. VCF-style: chr22-20996026-G-T. GRCh37 (hg19) VCF-style: chr22-21350315-G-T.
Identifiers: ClinVar variation 4615635 (VCV004615635.1).
Genomic context (GRCh38, chr22:20,996,026, plus strand): 5'-CTTTGAAGCCATGTTCCGGTCCTTCATGCCCGAAGATGGGCAGGTGAACATCTCCATCGG[G>T]GAGATGGTGCCCAGCAGGCAGGCCTTCGAGTCCATGCTGCGCTACATCTACTACGGCGAG-3'
Protein context (NP_006758.2, residues 701-721): PEDGQVNISI[Gly711=]EMVPSRQAFE

ClinVar aggregate classification (germline): Uncertain significance (1 of 4 stars; one submission).

Conditions:
Cardiovascular phenotype. Identifiers: MedGen CN230736.
Hereditary cancer-predisposing syndrome. Also called: Neoplastic Syndromes, Hereditary; Tumor predisposition; Hereditary Cancer Syndrome; Hereditary neoplastic syndrome. Identifiers: Orphanet 140162, MedGen C0027672, MeSH D009386, MONDO:0015356.

Submission:

Ambry Genetics
Classification: Uncertain significance for Cardiovascular phenotype; Hereditary cancer-predisposing syndrome. Last evaluated: 2025-10-21. Review status: criteria provided, single submitter. Criteria: Ambry Variant Classification Scheme 2023. Collection method: clinical testing. Allele origin: germline.
Comment: The c.2133G>T variant (also known as p.G711G), located in coding exon 18 of the LZTR1 gene, results from a G to T substitution at nucleotide position 2133. This nucleotide substitution does not change the glycine at codon 711. This nucleotide position is not well conserved in available vertebrate species. In silico splice site analysis predicts that this alteration may result in the creation or strengthening of a novel splice donor site. Based on the available evidence, the clinical significance of this variant remains unclear.